The following is an entry in ClinVar:

NM_004006.3(DMD):c.6377_6378del (p.Phe2126fs)

Gene: DMD (dystrophin; minus strand). Cytogenetic location: Xp21.1.
Variant type: Deletion.
Coding change: c.6377_6378del on transcript NM_004006.3 (MANE Select); coding-DNA positions 6377 to 6378, 2 bases deleted (TT; older notation c.6377_6378delTT).
Protein change: p.Phe2126fs; shifts the reading frame from phenylalanine 2126.
Molecular consequence: frameshift variant.
Genome position (GRCh38, 1-based): chrX:32,216,976-32,216,977, AA deleted on the plus strand (TT on the coding strand, the reverse complement: DMD is on the minus strand); deleting any 2 consecutive bases within chrX:32,216,976-32,216,978 gives the same sequence; the c. name uses the placement nearest the transcript's 3' end. VCF-style (leftmost placement, unchanged base first): chrX-32216975-GAA-G. GRCh37 (hg19) VCF-style: chrX-32235092-GAA-G.
Other names: c.6353_6354del, p.Phe2118fs (NM_000109.4); c.6365_6366del, p.Phe2122fs (NM_004009.3); c.6008_6009del, p.Phe2003fs (NM_004010.3); c.2354_2355del, p.Phe785fs (NM_004011.4); c.2345_2346del, p.Phe782fs (NM_004012.4); short protein forms F782fs, F2126fs, F785fs, F2003fs, F2122fs, F2118fs.
Identifiers: ClinVar variation 1388530 (VCV001388530.6), dbSNP rs2147865476, ClinGen allele CA2573158657.

ClinVar aggregate classification (germline): Pathogenic (1 of 4 stars; one submission).

Conditions:
Duchenne muscular dystrophy (DMD). Also called: MUSCULAR DYSTROPHY, PSEUDOHYPERTROPHIC PROGRESSIVE, DUCHENNE TYPE; Duchenne Muscular Dystrophy (DMD). Identifiers: Orphanet 98896, MedGen C0013264, MONDO:0010679, OMIM 310200.

Submission:

Labcorp Genetics (formerly Invitae), Labcorp
Classification: Pathogenic for Duchenne muscular dystrophy. Last evaluated: 2021-08-29. Review status: criteria provided, single submitter. Criteria: Invitae Variant Classification Sherloc (09022015). Collection method: clinical testing. Allele origin: germline.
Comment: This variant has not been reported in the literature in individuals affected with DMD-related conditions. This sequence change creates a premature translational stop signal (p.Phe2126Serfs*8) in the DMD gene. It is expected to result in an absent or disrupted protein product. Loss-of-function variants in DMD are known to be pathogenic (PMID: 16770791, 25007885). This variant is not present in population databases (ExAC no frequency). For these reasons, this variant has been classified as Pathogenic.

Literature cited by the submitters: PubMed 16770791; PubMed 25007885.